The following is an entry in ClinVar:

NM_006755.2(TALDO1):c.784G>C (p.Glu262Gln)

Gene: TALDO1 (transaldolase 1; plus strand). Cytogenetic location: 11p15.5.
Variant type: single nucleotide variant.
Coding change: c.784G>C on transcript NM_006755.2 (MANE Select); coding-DNA position 784, G replaced by C.
Protein change: p.Glu262Gln; replaces glutamic acid 262 with glutamine.
Molecular consequence: missense variant.
Genome position (GRCh38, 1-based): chr11:763,893, G>C. VCF-style: chr11-763893-G-C. GRCh37 (hg19) VCF-style: chr11-763893-G-C.
Other names: short protein forms E262Q.
Identifiers: ClinVar variation 880686 (VCV000880686.8), dbSNP rs1863002079, ClinGen allele CA378937413.
Genomic context (GRCh38, chr11:763,893, plus strand): 5'-GGCGAGATCAAAGCACTGGCCGGCTGTGACTTCCTCACCATCTCACCCAAGCTCCTGGGA[G>C]AGCTGCTGCAGGACAACGCCAAGCTGGTGCCTGTGCTCTCAGCCAAGGCGGGTGAGGCCC-3'
Protein context (NP_006746.1, residues 252-272): FLTISPKLLG[Glu262Gln]LLQDNAKLVP

ClinVar aggregate classification (germline): Uncertain significance. Review status: criteria provided, multiple submitters, no conflicts (2 of 4 stars). 2 submissions from 2 submitters: Uncertain significance (2). Last evaluated 2022-08-21.

Conditions:
Deficiency of transaldolase. Also called: EYAID SYNDROME. Identifiers: Orphanet 101028, MedGen C1291329, MONDO:0011624, OMIM 606003.

gnomAD v4.1: 6 of 1,613,242 alleles (0.00037%); highest among the groups gnomAD compares: Middle Eastern, 0.067%; no homozygotes.

Submissions (2):

Labcorp Genetics (formerly Invitae), Labcorp
Classification: Uncertain significance. Last evaluated: 2022-08-21. Review status: criteria provided, single submitter. Criteria: Invitae Variant Classification Sherloc (09022015). Collection method: clinical testing. Allele origin: germline.
Comment: This sequence change replaces glutamic acid, which is acidic and polar, with glutamine, which is neutral and polar, at codon 262 of the TALDO1 protein (p.Glu262Gln). This variant is not present in population databases (gnomAD no frequency). This variant has not been reported in the literature in individuals affected with TALDO1-related conditions. ClinVar contains an entry for this variant (Variation ID: 880686). Algorithms developed to predict the effect of missense changes on protein structure and function are either unavailable or do not agree on the potential impact of this missense change (SIFT: "Tolerated"; PolyPhen-2: "Possibly Damaging"; Align-GVGD: "Class C0"). In summary, the available evidence is currently insufficient to determine the role of this variant in disease. Therefore, it has been classified as a Variant of Uncertain Significance.

Illumina Laboratory Services, Illumina
Classification: Uncertain significance for Deficiency of transaldolase. Last evaluated: 2018-01-12. Review status: criteria provided, single submitter. Criteria: ICSL Variant Classification Criteria 13 December 2019. Collection method: clinical testing. Allele origin: germline.